The following is an entry in ClinVar:

NM_014140.4(SMARCAL1):c.2175_2181del (p.Arg725fs)

Gene: SMARCAL1 (SNF2 related chromatin remodeling annealing helicase 1; plus strand). Cytogenetic location: 2q35.
Variant type: Deletion.
Coding change: c.2175_2181del on transcript NM_014140.4 (MANE Select); coding-DNA positions 2175 to 2181, 7 bases deleted (AGAGAAG; older notation c.2175_2181delAGAGAAG).
Protein change: p.Arg725fs; shifts the reading frame from arginine 725.
Molecular consequence: frameshift variant.
Genome position (GRCh38, 1-based): chr2:216,467,977-216,467,983, AGAGAAG deleted; deleting any 7 consecutive bases within chr2:216,467,973-216,467,983 gives the same sequence; the c. name uses the placement nearest the transcript's 3' end. VCF-style (leftmost placement, unchanged base first): chr2-216467972-GGAAGAGA-G. GRCh37 (hg19) VCF-style: chr2-217332695-GGAAGAGA-G.
Other names: c.2175_2181del, p.Arg725fs (NM_001127207.2); c.2175_2181delAGAGAAG, p.Arg725Serfs (NM_014140.3); short protein forms R725fs.
Identifiers: ClinVar variation 4815600 (VCV004815600.1).
Genomic context (GRCh38, chr2:216,467,972, plus strand): 5'-TTAATCTGTTTTGTTGTCATTGTCAAATGCAGTGAATATATCTTGGACCTACTGGAAAGT[GGAAGAGA>G]GAAGTTTTTAGTATTTGCACACCATAAGGTGGTCCTGGACGCAATTACGCAAGAGCTTGA-3'

ClinVar aggregate classification (germline): Likely pathogenic (1 of 4 stars; one submission).

Conditions:
Schimke immuno-osseous dysplasia (SIOD). Also called: Schimke Immunoosseous Dysplasia. Identifiers: Orphanet 1830, MedGen C0877024, MONDO:0009458, OMIM 242900.

Submission:

Natera, Inc.
Classification: Likely pathogenic for Schimke immuno-osseous dysplasia. Last evaluated: 2024-06-10. Review status: criteria provided, single submitter. Criteria: Natera Variant Classification Schema (03/2026). Collection method: clinical testing. Allele origin: germline.
Comment: The c.2175_2181del variant in SMARCAL1 is a frameshift variant predicted to shift the reading frame beginning at codon 725 and leads to a stop codon 3 codons downstream. This variant is expected to result in nonsense mediated decay, truncation, or a dysfunctional protein product. This variant is rare in the general population with a frequency below the threshold expected for the associated phenotype(s). Given the available evidence, this variant is classified as Likely Pathogenic.